The following is an entry in ClinVar:

NM_001114753.3(ENG):c.220-226_1134+331del

Gene: ENG (endoglin; minus strand). Cytogenetic location: 9q34.11.
Variant type: Deletion.
Coding change: c.220-226_1134+331del on transcript NM_001114753.3 (MANE Select); 226 bases into the intron before coding-DNA position 220 through 331 bases into the intron after coding-DNA position 1134, 6,081 bases deleted.
Molecular consequence: splice acceptor variant, splice donor variant. On other transcripts: initiator codon variant (1).
Genome position (GRCh38, 1-based): chr9:127,823,973-127,830,053, 6,081 bases deleted. GRCh37 (hg19): chr9:130,586,252-130,592,332.
Other names: c.220-226_1134+331del (NM_000118.4); c.-327-226_588+331del (NM_001278138.2).
Identifiers: ClinVar variation 982460 (VCV000982460.4), ClinGen allele CA1139661202.

ClinVar aggregate classification (germline): Pathogenic (1 of 4 stars; one submission).

Conditions:
Telangiectasia, hereditary hemorrhagic, type 1 (HHT1). Also called: Osler Weber Rendu syndrome type 1; ENG-Related Hereditary Hemorrhagic Telangiectasia. Identifiers: Orphanet 774, MedGen C4551861, MONDO:0008535, OMIM 187300. Disease mechanism: loss of function.

Submission:

NIHR Bioresource Rare Diseases, University of Cambridge
Classification: Pathogenic for Telangiectasia, hereditary hemorrhagic, type 1. Last evaluated: 2018-01-01. Review status: criteria provided, single submitter. Criteria: ACMG Guidelines, 2015. Collection method: research. Allele origin: unknown. Affected: yes. Observed: 1 variant allele.
Comment: PVS1+PM2+PP4

Literature cited by the submitters: PubMed 32573726.